The following is an entry in ClinVar:

ClinVar aggregate classification (germline): Uncertain significance (1 of 4 stars; one submission).

Conditions:
Malignant hyperthermia, susceptibility to, 1 (MHS1). Also called: Anesthesia related hyperthermia; Malignant hyperpyrexia; Fulminating hyperpyrexia; Pharmacogenic myopathy; RYR1-Related Malignant Hyperthermia Susceptibility; Malignant hyperthermia suceptibility 1. Identifiers: Orphanet 423, MedGen C2930980, MONDO:0007783, OMIM 145600.

Submission:

All of Us Research Program, National Institutes of Health
Classification: Uncertain significance for Malignant hyperthermia, susceptibility to, 1. Last evaluated: 2023-06-08. Review status: criteria provided, single submitter. Criteria: ACMG Guidelines, 2015. Collection method: clinical testing. Allele origin: germline. Inheritance: Autosomal dominant inheritance. Observed: 1 variant allele, 1 heterozygote.
Comment: This missense variant replaces glutamic acid with glycine at codon 3192 of the RYR1 protein. Computational prediction is inconclusive regarding the impact of this variant on protein structure and function (internally defined REVEL score threshold 0.5 < inconclusive < 0.7, PMID: 27666373). To our knowledge, functional studies have not been reported for this variant. This variant has not been reported in individuals affected with RYR1-related disorders in the literature. This variant has not been identified in the general population by the Genome Aggregation Database (gnomAD). The available evidence is insufficient to determine the role of this variant in disease conclusively. Therefore, this variant is classified as a Variant of Uncertain Significance.

This study involves interpretation of variants in research participants for the purpose of population health screening. Participant phenotype was not available at the time of variant classification. Additional details can be found in publication PMID: 35346344, PMCID: PMC8962531

NM_000540.3(RYR1):c.9575A>G (p.Glu3192Gly)

Gene: RYR1 (ryanodine receptor 1; plus strand). Cytogenetic location: 19q13.2.
Variant type: single nucleotide variant.
Coding change: c.9575A>G on transcript NM_000540.3 (MANE Select); coding-DNA position 9575, A replaced by G.
Protein change: p.Glu3192Gly; replaces glutamic acid 3192 with glycine.
Molecular consequence: missense variant.
Genome position (GRCh38, 1-based): chr19:38,516,107, A>G. VCF-style: chr19-38516107-A-G. GRCh37 (hg19) VCF-style: chr19-39006747-A-G.
Other names: c.9575A>G, p.Glu3192Gly (NM_001042723.2); short protein forms E3192G.
Identifiers: ClinVar variation 3071474 (VCV003071474.1), dbSNP rs2514425430, ClinGen allele CA405690055.